The following is an entry in ClinVar:

ClinVar aggregate classification (germline): Uncertain significance (1 of 4 stars; one submission).

Conditions:
Severe combined immunodeficiency due to DNA-PKcs deficiency. Also called: IMMUNODEFICIENCY 26 WITH NEUROLOGIC ABNORMALITIES; Immunodeficiency 26 with or without neurologic abnormalities. Identifiers: Orphanet 317425, MedGen C4014833, MONDO:0014423, OMIM 615966.

Allele frequency attached by ClinVar (database versions not stated): gnomAD exomes below 0.00001 and 0.00001; ExAC 0.00001; gnomAD 0.00001; TOPMed 0.00003; ESP Exome Variant Server 0.00008.
gnomAD v4.1: 5 of 1,561,062 alleles (0.00032%); highest among the groups gnomAD compares: African/African-American, 0.0041%; no homozygotes.

Submission:

Labcorp Genetics (formerly Invitae), Labcorp
Classification: Uncertain significance for Severe combined immunodeficiency due to DNA-PKcs deficiency. Last evaluated: 2021-11-10. Review status: criteria provided, single submitter. Criteria: Invitae Variant Classification Sherloc (09022015). Collection method: clinical testing. Allele origin: germline.
Comment: This sequence change replaces proline, which is neutral and non-polar, with leucine, which is neutral and non-polar, at codon 750 of the PRKDC protein (p.Pro750Leu). The frequency data for this variant in the population databases is considered unreliable, as metrics indicate poor data quality at this position in the gnomAD database. This variant has not been reported in the literature in individuals affected with PRKDC-related conditions. ClinVar contains an entry for this variant (Variation ID: 569528). In summary, the available evidence is currently insufficient to determine the role of this variant in disease. Therefore, it has been classified as a Variant of Uncertain Significance.

NM_006904.7(PRKDC):c.2249C>T (p.Pro750Leu)

Gene: PRKDC (protein kinase, DNA-activated, catalytic subunit; minus strand). Cytogenetic location: 8q11.21.
Variant type: single nucleotide variant.
Coding change: c.2249C>T on transcript NM_006904.7 (MANE Select); coding-DNA position 2249, C replaced by T.
Protein change: p.Pro750Leu; replaces proline 750 with leucine.
Molecular consequence: missense variant.
Genome position (GRCh38, 1-based): chr8:47,927,781, G>A on the plus strand (C>T on the coding strand, the complement: PRKDC is on the minus strand). VCF-style: chr8-47927781-G-A. GRCh37 (hg19) VCF-style: chr8-48840341-G-A.
Other names: c.2249C>T, p.Pro750Leu (NM_001081640.2); short protein forms P750L.
Identifiers: ClinVar variation 569528 (VCV000569528.4), dbSNP rs372660444, ClinGen allele CA4741503.